The following is an entry in ClinVar:

ClinVar aggregate classification (germline): Uncertain significance (1 of 4 stars; one submission).

Submission:

Ambry Genetics
Classification: Uncertain significance. Last evaluated: 2023-09-06. Review status: criteria provided, single submitter. Criteria: Ambry Variant Classification Scheme 2023. Collection method: clinical testing. Allele origin: germline.
Comment: The p.Q812E variant (also known as c.2434C>G), located in coding exon 4 of the ALPK2 gene, results from a C to G substitution at nucleotide position 2434. The glutamine at codon 812 is replaced by glutamic acid, an amino acid with highly similar properties. This amino acid position is conserved. In addition, this alteration is predicted to be tolerated by in silico analysis. Since supporting evidence is limited at this time, the clinical significance of this alteration remains unclear.

NM_052947.4(ALPK2):c.2434C>G (p.Gln812Glu)

Gene: ALPK2 (alpha kinase 2; minus strand). Cytogenetic location: 18q21.31.
Variant type: single nucleotide variant.
Coding change: c.2434C>G on transcript NM_052947.4 (MANE Select); coding-DNA position 2434, C replaced by G.
Protein change: p.Gln812Glu; replaces glutamine 812 with glutamic acid.
Molecular consequence: missense variant.
Genome position (GRCh38, 1-based): chr18:58,537,753, G>C on the plus strand (C>G on the coding strand, the complement: ALPK2 is on the minus strand). VCF-style: chr18-58537753-G-C. GRCh37 (hg19) VCF-style: chr18-56204985-G-C.
Other names: short protein forms Q812E.
Identifiers: ClinVar variation 2626045 (VCV002626045.2), dbSNP rs1430329994, ClinGen allele CA402570639.